The following is an entry in ClinVar:

ClinVar aggregate classification (germline): Uncertain significance (1 of 4 stars; one submission).

Submission:

Labcorp Genetics (formerly Invitae), Labcorp
Classification: Uncertain significance. Last evaluated: 2025-07-21. Review status: criteria provided, single submitter. Criteria: Invitae Variant Classification Sherloc (09022015). Collection method: clinical testing. Allele origin: germline.
Comment: This sequence change replaces leucine, which is neutral and non-polar, with valine, which is neutral and non-polar, at codon 41 of the LZTS1 protein (p.Leu41Val). This variant is not present in population databases (gnomAD no frequency). This variant has not been reported in the literature in individuals affected with LZTS1-related conditions. Invitae Evidence Modeling of protein sequence and biophysical properties (such as structural, functional, and spatial information, amino acid conservation, physicochemical variation, residue mobility, and thermodynamic stability) indicates that this missense variant is not expected to disrupt LZTS1 protein function with a negative predictive value of 80%. In summary, the available evidence is currently insufficient to determine the role of this variant in disease. Therefore, it has been classified as a Variant of Uncertain Significance.

NM_021020.5(LZTS1):c.121C>G (p.Leu41Val)

Gene: LZTS1 (leucine zipper tumor suppressor 1; minus strand). Cytogenetic location: 8p21.3.
Variant type: single nucleotide variant.
Coding change: c.121C>G on transcript NM_021020.5 (MANE Select); coding-DNA position 121, C replaced by G.
Protein change: p.Leu41Val; replaces leucine 41 with valine.
Molecular consequence: missense variant.
Genome position (GRCh38, 1-based): chr8:20,255,061, G>C on the plus strand (C>G on the coding strand, the complement: LZTS1 is on the minus strand). VCF-style: chr8-20255061-G-C. GRCh37 (hg19) VCF-style: chr8-20112572-G-C.
Other names: c.121C>G, p.Leu41Val (NM_001362884.2); short protein forms L41V.
Identifiers: ClinVar variation 4738269 (VCV004738269.1).